The following is an entry in ClinVar:

ClinVar aggregate classification (germline): Likely pathogenic (1 of 4 stars; one submission).

Conditions:
Intellectual disability-microcephaly-strabismus-behavioral abnormalities syndrome. Also called: White-Sutton Syndrome. Identifiers: Orphanet 468678, MedGen C4225351, MONDO:0014606, OMIM 616364.

Submission:

Johns Hopkins Genomics, Johns Hopkins University
Classification: Likely pathogenic for Intellectual disability-microcephaly-strabismus-behavioral abnormalities syndrome. Last evaluated: 2022-03-25. Review status: criteria provided, single submitter. Criteria: ACMG Guidelines, 2015. Collection method: clinical testing. Allele origin: germline.
Comment: This POGZ variant is absent from a large population dataset and has not been reported in ClinVar nor the literature, to our knowledge. This frameshift deletion in exon 2 results in a premature stop codon likely leading to nonsense-mediated decay and lack of protein production. We consider this variant to be likely pathogenic.

Literature cited by the submitters: PubMed 26739615; PubMed 31782611; PubMed 34529370.

NM_015100.4(POGZ):c.7del (p.Asp3fs)

Gene: POGZ (pogo transposable element derived with ZNF domain; minus strand). Cytogenetic location: 1q21.3.
Variant type: Deletion.
Coding change: c.7del on transcript NM_015100.4 (MANE Select); coding-DNA position 7, one base deleted (G; older notation c.7delG).
Protein change: p.Asp3fs; shifts the reading frame from aspartic acid 3.
Molecular consequence: frameshift variant.
Genome position (GRCh38, 1-based): chr1:151,442,198, C deleted on the plus strand (G on the coding strand, the reverse complement: POGZ is on the minus strand); the first of 2 consecutive C bases (chr1:151,442,198-151,442,199); deleting either gives the same sequence. VCF-style (leftmost placement, unchanged base first): chr1-151442197-TC-T. GRCh37 (hg19) VCF-style: chr1-151414673-TC-T.
Other names: c.7del, p.Asp3fs (NM_001194937.2, NM_001194938.2, NM_145796.4 and 1 more transcripts); c.27delG, p.Asp10Thrfs (NM_001410860.1); c.7delG (NM_015100.4); short protein forms D3fs.
Identifiers: ClinVar variation 1704372 (VCV001704372.1), dbSNP rs2529693461, ClinGen allele CA2580061017.